The following is an entry in ClinVar:

ClinVar aggregate classification (germline): Likely benign. Review status: criteria provided, multiple submitters, no conflicts (2 of 4 stars). 3 submissions from 3 submitters: Likely benign (3). Last evaluated 2026-06-01.

Conditions:
Genitopatellar syndrome (GTPTS). Also called: Genitopatellar syndrome (GPS); ABSENT PATELLAE, SCROTAL HYPOPLASIA, RENAL ANOMALIES, FACIAL DYSMORPHISM, AND MENTAL RETARDATION. Identifiers: Orphanet 85201, MedGen C1853566, MONDO:0011640, OMIM 606170.

Allele frequency attached by ClinVar (database versions not stated): gnomAD exomes below 0.00001; gnomAD 0.00001; TOPMed 0.00001.
gnomAD v4.1: 9 of 1,613,872 alleles (0.00056%); highest among the groups gnomAD compares: African/African-American, 0.0013%; no homozygotes.

Submissions (3):

CeGaT Center for Human Genetics Tuebingen
Classification: Likely benign. Last evaluated: 2026-06-01. Review status: criteria provided, single submitter. Criteria: CeGaT Center For Human Genetics Tuebingen Variant Classification Criteria Version 2. Collection method: clinical testing. Allele origin: germline. Affected: yes. Observed: 1 variant allele.
Comment: KAT6B: BP4, BP7

Labcorp Genetics (formerly Invitae), Labcorp
Classification: Likely benign for Genitopatellar syndrome. Last evaluated: 2022-12-04. Review status: criteria provided, single submitter. Criteria: Invitae Variant Classification Sherloc (09022015). Collection method: clinical testing. Allele origin: germline.

GeneDx
Classification: Likely benign. Last evaluated: 2017-03-01. Review status: criteria provided, single submitter. Criteria: GeneDx Variant Classification (06012015). Collection method: clinical testing. Allele origin: germline. Affected: yes.
Comment: This variant is considered likely benign or benign based on one or more of the following criteria: it is a conservative change, it occurs at a poorly conserved position in the protein, it is predicted to be benign by multiple in silico algorithms, and/or has population frequency not consistent with disease.

NM_012330.4(KAT6B):c.801C>T (p.Ile267=)

Gene: KAT6B (lysine acetyltransferase 6B; plus strand). Cytogenetic location: 10q22.2.
Variant type: single nucleotide variant.
Coding change: c.801C>T on transcript NM_012330.4 (MANE Select); coding-DNA position 801, C replaced by T.
Protein change: p.Ile267=; no amino-acid change (isoleucine 267 retained).
Molecular consequence: synonymous variant. On other transcripts: intron variant (2).
Genome position (GRCh38, 1-based): chr10:74,969,730, C>T. VCF-style: chr10-74969730-C-T. GRCh37 (hg19) VCF-style: chr10-76729488-C-T.
Other names: c.801C>T, p.Ile267= (NM_001256468.2, NM_001256469.2, NM_001370132.1 and 10 more transcripts); c.193-9494C>T (NM_001370134.1); c.192+9652C>T (NM_001370135.1).
Identifiers: ClinVar variation 507759 (VCV000507759.6), dbSNP rs1459841520, ClinGen allele CA470172687.